The following is an entry in ClinVar:

ClinVar aggregate classification (germline): Uncertain significance (1 of 4 stars; one submission).

Conditions:
Tatton-Brown-Rahman overgrowth syndrome. Also called: Tall stature-intellectual disability-facial dysmorphism syndrome; Tatton-Brown-Rahman syndrome. Identifiers: Orphanet 404443, MedGen C4014545, MONDO:0014382, OMIM 615879.

Allele frequency attached by ClinVar (database versions not stated): gnomAD exomes below 0.00001; TOPMed below 0.00001; gnomAD 0.00002; ExAC 0.00003; 1000 Genomes Project 30x 0.00016; 1000 Genomes Project 0.00020.

Submission:

Labcorp Genetics (formerly Invitae), Labcorp
Classification: Uncertain significance for Tatton-Brown-Rahman overgrowth syndrome. Last evaluated: 2023-11-28. Review status: criteria provided, single submitter. Criteria: Invitae Variant Classification Sherloc (09022015). Collection method: clinical testing. Allele origin: germline.
Comment: This sequence change falls in intron 7 of the DNMT3A gene. It does not directly change the encoded amino acid sequence of the DNMT3A protein. It affects a nucleotide within the consensus splice site. This variant is present in population databases (rs531358871, gnomAD 0.01%). This variant has not been reported in the literature in individuals affected with DNMT3A-related conditions. Variants that disrupt the consensus splice site are a relatively common cause of aberrant splicing (PMID: 17576681, 9536098). Algorithms developed to predict the effect of sequence changes on RNA splicing suggest that this variant is not likely to affect RNA splicing. In summary, the available evidence is currently insufficient to determine the role of this variant in disease. Therefore, it has been classified as a Variant of Uncertain Significance.

Literature cited by the submitters: PubMed 17576681; PubMed 9536098.

NM_022552.5(DNMT3A):c.855+6C>T

Gene: DNMT3A (DNA methyltransferase 3 alpha; minus strand). Cytogenetic location: 2p23.3.
Variant type: single nucleotide variant.
Coding change: c.855+6C>T on transcript NM_022552.5 (MANE Select); 6 bases into the intron after coding-DNA position 855, C replaced by T.
Molecular consequence: intron variant.
Genome position (GRCh38, 1-based): chr2:25,248,031, G>A on the plus strand (C>T on the coding strand, the complement: DNMT3A is on the minus strand). VCF-style: chr2-25248031-G-A. GRCh37 (hg19) VCF-style: chr2-25470900-G-A.
Other names: c.855+6C>T (NM_175629.2); c.288+6C>T (NM_153759.3); c.399+6C>T (NM_001320893.1); c.186+6C>T (NM_001375819.1).
Identifiers: ClinVar variation 2883255 (VCV002883255.3), dbSNP rs531358871, ClinGen allele CA1556280.